The following is an entry in ClinVar:

ClinVar aggregate classification (germline): Uncertain significance (1 of 4 stars; one submission).

Conditions:
Atrial fibrillation, familial, 7 (ATFB7). Identifiers: MedGen C2677106, MONDO:0012828, OMIM 612240.

gnomAD v4.1: 4 of 1,613,932 alleles (0.00025%); highest among the groups gnomAD compares: South Asian, 0.0033%; no homozygotes.

Submission:

Labcorp Genetics (formerly Invitae), Labcorp
Classification: Uncertain significance for Atrial fibrillation, familial, 7. Last evaluated: 2024-10-16. Review status: criteria provided, single submitter. Criteria: Invitae Variant Classification Sherloc (09022015). Collection method: clinical testing. Allele origin: germline.
Comment: This sequence change affects codon 404 of the KCNA5 mRNA. It is a 'silent' change, meaning that it does not change the encoded amino acid sequence of the KCNA5 protein. This variant is present in population databases (rs759228414, gnomAD 0.0009%). This variant has not been reported in the literature in individuals affected with KCNA5-related conditions. In summary, the available evidence is currently insufficient to determine the role of this variant in disease. Therefore, it has been classified as a Variant of Uncertain Significance.

NM_002234.4(KCNA5):c.1212G>C (p.Leu404=)

Gene: KCNA5 (potassium voltage-gated channel subfamily A member 5; plus strand). Cytogenetic location: 12p13.32.
Variant type: single nucleotide variant.
Coding change: c.1212G>C on transcript NM_002234.4 (MANE Select); coding-DNA position 1212, G replaced by C.
Protein change: p.Leu404=; no amino-acid change (leucine 404 retained).
Molecular consequence: synonymous variant.
Genome position (GRCh38, 1-based): chr12:5,045,359, G>C. VCF-style: chr12-5045359-G-C. GRCh37 (hg19) VCF-style: chr12-5154525-G-C.
Identifiers: ClinVar variation 3688843 (VCV003688843.2).